The following is an entry in ClinVar:

NM_003060.4(SLC22A5):c.1158del (p.Tyr387fs)

Gene: SLC22A5 (solute carrier family 22 member 5; plus strand). Cytogenetic location: 5q31.1.
Variant type: Deletion.
Coding change: c.1158del on transcript NM_003060.4 (MANE Select); coding-DNA position 1158, one base deleted (A; older notation c.1158delA).
Protein change: p.Tyr387fs; shifts the reading frame from tyrosine 387.
Molecular consequence: frameshift variant.
Genome position (GRCh38, 1-based): chr5:132,390,795, A deleted. VCF-style (leftmost placement, unchanged base first): chr5-132390794-CA-C. GRCh37 (hg19) VCF-style: chr5-131726486-CA-C.
Other names: c.1230del, p.Tyr411fs (NM_001308122.2); c.1158delA (NM_003060.3); short protein forms Y387fs, Y411fs.
Identifiers: ClinVar variation 645158 (VCV000645158.11), dbSNP rs1580892402, ClinGen allele CA915943457.
Genomic context (GRCh38, chr5:132,390,794, plus strand): 5'-CTAACTTGCATGGGGACATCTTTGTGAACTGCTTCCTTTCAGCGATGGTTGAAGTCCCAG[CA>C]TATGTGTTGGCCTGGCTGCTGCTGCAATATTTGCCCCGGCGCTATTCCATGGCCACTGCC-3'

ClinVar aggregate classification (germline): Pathogenic/Likely pathogenic. Review status: criteria provided, multiple submitters, no conflicts (2 of 4 stars). 4 submissions from 4 submitters: Pathogenic (2); Likely pathogenic (2). Last evaluated 2025-12-21.

Conditions:
Renal carnitine transport defect (CDSP). Also called: Carnitine Deficiency, Systemic; CARNITINE DEFICIENCY, SYSTEMIC, DUE TO DEFECT IN RENAL REABSORPTION OF CARNITINE; CARNITINE TRANSPORTER, PLASMA-MEMBRANE, DEFICIENCY OF; CARNITINE UPTAKE DEFECT; Systemic primary carnitine deficiency disease; Systemic primary carnitine deficiency. Identifiers: Orphanet 158, MedGen C0342788, MONDO:0008919, OMIM 212140.
Carnitine deficiency. Identifiers: MedGen C1142132.

Submissions (4):

Labcorp Genetics (formerly Invitae), Labcorp
Classification: Pathogenic for Renal carnitine transport defect. Last evaluated: 2025-12-21. Review status: criteria provided, single submitter. Criteria: Invitae Variant Classification Sherloc (09022015). Collection method: clinical testing. Allele origin: germline.
Comment: This sequence change creates a premature translational stop signal (p.Tyr387Metfs*46) in the SLC22A5 gene. It is expected to result in an absent or disrupted protein product. Loss-of-function variants in SLC22A5 are known to be pathogenic (PMID: 9916797). This variant is not present in population databases (gnomAD no frequency). This variant has not been reported in the literature in individuals affected with SLC22A5-related conditions. ClinVar contains an entry for this variant (Variation ID: 645158). For these reasons, this variant has been classified as Pathogenic.

GeneDx
Classification: Pathogenic. Last evaluated: 2024-12-29. Review status: criteria provided, single submitter. Criteria: GeneDx Variant Classification Process June 2021. Collection method: clinical testing. Allele origin: germline. Affected: yes.
Comment: Frameshift variant predicted to result in protein truncation or nonsense mediated decay in a gene for which loss of function is a known mechanism of disease; Not observed at significant frequency in large population cohorts (gnomAD); Has not been previously published as pathogenic or benign to our knowledge

Natera, Inc.
Classification: Likely pathogenic for Carnitine deficiency. Last evaluated: 2024-05-17. Review status: criteria provided, single submitter. Criteria: Natera Variant Classification Schema (03/2026). Collection method: clinical testing. Allele origin: germline.
Comment: The c.1158delA variant in SLC22A5 is a frameshift variant predicted to shift the reading frame beginning at codon 387 and leads to a stop codon 46 codons downstream. This variant is expected to result in nonsense mediated decay, truncation, or a dysfunctional protein product. This variant is rare in the general population with a frequency below the threshold expected for the associated phenotype(s). Given the available evidence, this variant is classified as Likely Pathogenic.

Baylor Genetics
Classification: Likely pathogenic for Renal carnitine transport defect. Last evaluated: 2022-03-11. Review status: criteria provided, single submitter. Criteria: ACMG Guidelines, 2015. Collection method: clinical testing. Allele origin: unknown.

Literature cited by the submitters: PubMed 9916797 (cited by Labcorp Genetics (formerly Invitae), Labcorp).